The following is an entry in ClinVar:

ClinVar aggregate classification (germline): Uncertain significance (1 of 4 stars; one submission).

Conditions:
Charcot-Marie-Tooth disease type 2. Also called: Charcot-Marie-Tooth type 2. Identifiers: Orphanet 64746, MedGen C0270914, MONDO:0018993.

Submission:

Labcorp Genetics (formerly Invitae), Labcorp
Classification: Uncertain significance for Charcot-Marie-Tooth disease type 2. Last evaluated: 2024-10-19. Review status: criteria provided, single submitter. Criteria: Invitae Variant Classification Sherloc (09022015). Collection method: clinical testing. Allele origin: germline.
Comment: This sequence change replaces isoleucine, which is neutral and non-polar, with valine, which is neutral and non-polar, at codon 93 of the KIF1B protein (p.Ile93Val). This variant is not present in population databases (gnomAD no frequency). This variant has not been reported in the literature in individuals affected with KIF1B-related conditions. Invitae Evidence Modeling of protein sequence and biophysical properties (such as structural, functional, and spatial information, amino acid conservation, physicochemical variation, residue mobility, and thermodynamic stability) indicates that this missense variant is not expected to disrupt KIF1B protein function with a negative predictive value of 80%. In summary, the available evidence is currently insufficient to determine the role of this variant in disease. Therefore, it has been classified as a Variant of Uncertain Significance.

NM_001365951.3(KIF1B):c.277A>G (p.Ile93Val)

Gene: KIF1B (kinesin family member 1B; plus strand). Cytogenetic location: 1p36.22.
Variant type: single nucleotide variant.
Coding change: c.277A>G on transcript NM_001365951.3 (MANE Select); coding-DNA position 277, A replaced by G.
Protein change: p.Ile93Val; replaces isoleucine 93 with valine.
Molecular consequence: missense variant.
Genome position (GRCh38, 1-based): chr1:10,258,586, A>G. VCF-style: chr1-10258586-A-G. GRCh37 (hg19) VCF-style: chr1-10318644-A-G.
Other names: c.277A>G, p.Ile93Val (NM_001365952.1, NM_001365953.1, NM_015074.3 and 1 more transcripts); short protein forms I93V.
Identifiers: ClinVar variation 3667234 (VCV003667234.2).